The following is an entry in ClinVar:

ClinVar aggregate classification (germline): Uncertain significance (1 of 4 stars; one submission).

Conditions:
Cardiovascular phenotype. Identifiers: MedGen CN230736.

Submission:

Ambry Genetics
Classification: Uncertain significance for Cardiovascular phenotype. Last evaluated: 2025-11-24. Review status: criteria provided, single submitter. Criteria: Ambry Variant Classification Scheme 2023. Collection method: clinical testing. Allele origin: germline.
Comment: The c.9035delG (p.G3012Efs*34) alteration, located in exon 63 (coding exon 63) of the RYR2 gene, consists of a deletion of one nucleotide at position 9035, causing a translational frameshift with a predicted alternate stop codon after 34 amino acids. Frameshift alterations are typically deleterious in nature (Richards, 2015). This variant was not reported in population-based cohorts in the Genome Aggregation Database (gnomAD). Based on insufficient or conflicting evidence, the clinical significance of this alteration remains unclear.

NM_001035.3(RYR2):c.9035del (p.Gly3012fs)

Gene: RYR2 (ryanodine receptor 2; plus strand). Cytogenetic location: 1q43.
Variant type: Deletion.
Coding change: c.9035del on transcript NM_001035.3 (MANE Select); coding-DNA position 9035, one base deleted (G; older notation c.9035delG).
Protein change: p.Gly3012fs; shifts the reading frame from glycine 3012.
Molecular consequence: frameshift variant.
Genome position (GRCh38, 1-based): chr1:237,687,472, G deleted; the last of 2 consecutive G bases (chr1:237,687,471-237,687,472); deleting either gives the same sequence. VCF-style (leftmost placement, unchanged base first): chr1-237687470-TG-T. GRCh37 (hg19) VCF-style: chr1-237850770-TG-T.
Other names: short protein forms G3012fs.
Identifiers: ClinVar variation 4614864 (VCV004614864.1).